The following is an entry in ClinVar:

NM_000535.7(PMS2):c.1576G>C (p.Asp526His)

Gene: PMS2 (PMS1 homolog 2, mismatch repair system component; minus strand). Cytogenetic location: 7p22.1.
Variant type: single nucleotide variant.
Coding change: c.1576G>C on transcript NM_000535.7 (MANE Select); coding-DNA position 1576, G replaced by C.
Protein change: p.Asp526His; replaces aspartic acid 526 with histidine.
Molecular consequence: missense variant. On other transcripts: non-coding transcript variant (1).
Genome position (GRCh38, 1-based): chr7:5,987,189, C>G on the plus strand (G>C on the coding strand, the complement: PMS2 is on the minus strand). VCF-style: chr7-5987189-C-G. GRCh37 (hg19) VCF-style: chr7-6026820-C-G.
Other names: c.1171G>C, p.Asp391His (NM_001322003.2, NM_001322004.2, NM_001322005.2 and 1 more transcripts); c.1420G>C, p.Asp474His (NM_001322006.2); c.1258G>C, p.Asp420His (NM_001322007.2, NM_001322008.2); c.1015G>C, p.Asp339His (NM_001322010.2); c.643G>C, p.Asp215His (NM_001322011.2, NM_001322012.2); c.1003G>C, p.Asp335His (NM_001322013.2); c.1576G>C, p.Asp526His (NM_001322014.2); c.1267G>C, p.Asp423His (NM_001322015.2); short protein forms D526H, D339H, D420H, D474H, D215H, D423H, D335H, D391H.
Identifiers: ClinVar variation 525625 (VCV000525625.13), dbSNP rs63750686, ClinGen allele CA366741558.

ClinVar aggregate classification (germline): Uncertain significance. Review status: criteria provided, multiple submitters, no conflicts (2 of 4 stars). 2 submissions from 2 submitters: Uncertain significance (2). Last evaluated 2025-07-31.

Conditions:
Hereditary nonpolyposis colorectal neoplasms. Identifiers: MedGen C0009405, MeSH D003123.
Hereditary cancer-predisposing syndrome. Also called: Neoplastic Syndromes, Hereditary; Tumor predisposition; Hereditary Cancer Syndrome; Hereditary neoplastic syndrome. Identifiers: Orphanet 140162, MedGen C0027672, MeSH D009386, MONDO:0015356.

gnomAD v4.1: 1 of 1,614,002 alleles (0.000062%); highest among the groups gnomAD compares: Non-Finnish European, 0.000085%; no homozygotes.

Submissions (2):

Labcorp Genetics (formerly Invitae), Labcorp
Classification: Uncertain significance for Hereditary nonpolyposis colorectal neoplasms. Last evaluated: 2025-07-31. Review status: criteria provided, single submitter. Criteria: Invitae Variant Classification Sherloc (09022015). Collection method: clinical testing. Allele origin: germline.
Comment: This sequence change replaces aspartic acid, which is acidic and polar, with histidine, which is basic and polar, at codon 526 of the PMS2 protein (p.Asp526His). This variant is not present in population databases (gnomAD no frequency). This variant has not been reported in the literature in individuals affected with PMS2-related conditions. ClinVar contains an entry for this variant (Variation ID: 525625). Invitae Evidence Modeling incorporating data from in vitro experimental studies (internal data) indicates that this missense variant is not expected to disrupt PMS2 function with a negative predictive value of 95%. In summary, the available evidence is currently insufficient to determine the role of this variant in disease. Therefore, it has been classified as a Variant of Uncertain Significance.

Ambry Genetics
Classification: Uncertain significance for Hereditary cancer-predisposing syndrome. Last evaluated: 2024-12-12. Review status: criteria provided, single submitter. Criteria: Ambry Variant Classification Scheme 2023. Collection method: clinical testing. Allele origin: germline.
Comment: The p.D526H variant (also known as c.1576G>C), located in coding exon 11 of the PMS2 gene, results from a G to C substitution at nucleotide position 1576. The aspartic acid at codon 526 is replaced by histidine, an amino acid with similar properties. This amino acid position is well conserved in available vertebrate species. In addition, the in silico prediction for this alteration is inconclusive. Based on the available evidence, the clinical significance of this variant remains unclear.